The following is an entry in ClinVar:

NM_001377137.1(GBF1):c.2799C>G (p.Gly933=)

Gene: GBF1 (golgi brefeldin A resistant guanine nucleotide exchange factor 1; plus strand). Cytogenetic location: 10q24.32.
Variant type: single nucleotide variant.
Coding change: c.2799C>G on transcript NM_001377137.1 (MANE Select); coding-DNA position 2799, C replaced by G.
Protein change: p.Gly933=; no amino-acid change (glycine 933 retained).
Molecular consequence: synonymous variant. On other transcripts: non-coding transcript variant (5), intron variant (1).
Genome position (GRCh38, 1-based): chr10:102,368,374, C>G. VCF-style: chr10-102368374-C-G. GRCh37 (hg19) VCF-style: chr10-104128131-C-G.
Other names: p.Gly932=; c.2799C>G, p.Gly933= (NM_001199378.2, NM_001391923.1); c.2796C>G, p.Gly932= (NM_001199379.2, NM_001377141.1, NM_001391924.1 and 3 more transcripts); c.2760C>G, p.Gly920= (NM_001377138.1, NM_001391925.1); c.2502C>G, p.Gly834= (NM_001377139.1, NM_001377140.1); c.2895C>G, p.Gly965= (NM_001391922.1, NM_001411027.1); c.2763C>G, p.Gly921= (NM_001391926.1); c.2655C>G, p.Gly885= (NM_001391928.1); and 3 more.
Identifiers: ClinVar variation 4683548 (VCV004683548.1).

ClinVar aggregate classification (germline): Likely benign (1 of 4 stars; one submission).

gnomAD v4.1: 85 of 1,613,772 alleles (0.0053%); highest among the groups gnomAD compares: Middle Eastern, 0.066%; no homozygotes.

Submission:

Mayo Clinic Laboratories, Mayo Clinic
Classification: Likely benign. Last evaluated: 2025-06-04. Review status: criteria provided, single submitter. Criteria: ACMG Guidelines, 2015. Collection method: clinical testing. Allele origin: germline. Observed: 1 variant allele.
Comment: BS2, BP4, BP7